The following is an entry in ClinVar:

ClinVar aggregate classification (germline): Uncertain significance (1 of 4 stars; one submission).

Conditions:
Combined oxidative phosphorylation deficiency 39. Identifiers: Orphanet 565624, MedGen C5193075, MONDO:0032726, OMIM 618397.

gnomAD v4.1: 2 of 1,611,558 alleles (0.00012%); highest among the groups gnomAD compares: East Asian, 0.0045%; no homozygotes.

Submission:

Juno Genomics, Hangzhou Juno Genomics, Inc
Classification: Uncertain significance for Combined oxidative phosphorylation deficiency 39. Review status: criteria provided, single submitter. Criteria: ACMG Guidelines, 2015. Collection method: clinical testing. Allele origin: germline.
Comment: Absent from controls (or at extremely low frequency if recessive) in Genome Aggregation Database.;Multiple lines of computational evidence support a deleterious effect on the gene or gene product.

NM_032380.5(GFM2):c.547G>C (p.Ala183Pro)

Gene: GFM2 (GTP dependent ribosome recycling factor mitochondrial GFM2; minus strand). Cytogenetic location: 5q13.3.
Variant type: single nucleotide variant.
Coding change: c.547G>C on transcript NM_032380.5 (MANE Select); coding-DNA position 547, G replaced by C.
Protein change: p.Ala183Pro; replaces alanine 183 with proline.
Molecular consequence: missense variant. On other transcripts: non-coding transcript variant (1).
Genome position (GRCh38, 1-based): chr5:74,747,753, C>G on the plus strand (G>C on the coding strand, the complement: GFM2 is on the minus strand). VCF-style: chr5-74747753-C-G. GRCh37 (hg19) VCF-style: chr5-74043578-C-G.
Other names: c.643G>C, p.Ala215Pro (NM_001281302.2); c.547G>C, p.Ala183Pro (NM_170681.3, NM_170691.3); short protein forms A183P, A215P.
Identifiers: ClinVar variation 5006926 (VCV005006926.2).
Genomic context (GRCh38, chr5:74,747,753, plus strand): 5'-TTGCTCCAGTTTTGTCCATCTTGTTTAAAAAACAGATTCGAGGTATATTGTGTTTATCAG[C>G]TTGCCTCCATACTGTGAGAGTCTGGGCCTAAAGCAAAGATGAGGAAAAAAATACATACTG-3'
Protein context (NP_115756.2, residues 173-193): EAQTLTVWRQ[Ala183Pro]DKHNIPRICF